The following is an entry in ClinVar:

NM_001242896.3(DEPDC5):c.4779T>C (p.Ser1593=)

Gene: DEPDC5 (DEP domain containing 5, GATOR1 subcomplex subunit; plus strand). Cytogenetic location: 22q12.3.
Variant type: single nucleotide variant.
Coding change: c.4779T>C on transcript NM_001242896.3 (MANE Select); coding-DNA position 4779, T replaced by C.
Protein change: p.Ser1593=; no amino-acid change (serine 1593 retained).
Molecular consequence: synonymous variant. On other transcripts: non-coding transcript variant (5).
Genome position (GRCh38, 1-based): chr22:31,906,464, T>C. VCF-style: chr22-31906464-T-C. GRCh37 (hg19) VCF-style: chr22-32302450-T-C.
Other names: c.4752T>C, p.Ser1584= (NM_001136029.4); c.4479T>C, p.Ser1493= (NM_001242897.2); c.4713T>C, p.Ser1571= (NM_001363852.2, NM_001364320.2); c.4545T>C, p.Ser1515= (NM_001363854.2, NM_001364319.2); c.4779T>C, p.Ser1593= (NM_001364318.2); c.4695T>C, p.Ser1565= (NM_001369901.1, NM_001369902.1); c.4686T>C, p.Ser1562= (NM_001369903.1, NM_014662.6).
Identifiers: ClinVar variation 2169989 (VCV002169989.25), dbSNP rs750919199, ClinGen allele CA514273435.

ClinVar aggregate classification (germline): Likely benign. Review status: criteria provided, multiple submitters, no conflicts (2 of 4 stars). 2 submissions from 2 submitters: Likely benign (2). Last evaluated 2024-10-23.

Conditions:
Familial focal epilepsy with variable foci (FPEVF). Identifiers: Orphanet 98820, MedGen C1858477, MONDO:0020310.

Allele frequency attached by ClinVar (database versions not stated): TOPMed 0.00002.
gnomAD v4.1: 12 of 1,613,798 alleles (0.00074%); highest among the groups gnomAD compares: Non-Finnish European, 0.001%; no homozygotes.

Submissions (2):

Labcorp Genetics (formerly Invitae), Labcorp
Classification: Likely benign for Familial focal epilepsy with variable foci. Last evaluated: 2024-10-23. Review status: criteria provided, single submitter. Criteria: Invitae Variant Classification Sherloc (09022015). Collection method: clinical testing. Allele origin: germline.

CeGaT Center for Human Genetics Tuebingen
Classification: Likely benign. Last evaluated: 2024-03-01. Review status: criteria provided, single submitter. Criteria: CeGaT Center For Human Genetics Tuebingen Variant Classification Criteria Version 2. Collection method: clinical testing. Allele origin: germline. Affected: yes. Observed: 1 variant allele.
Comment: DEPDC5: BP4, BP7